The following is an entry in ClinVar:

ClinVar aggregate classification (germline): Conflicting classifications of pathogenicity. Review status: criteria provided, conflicting classifications (1 of 4 stars). 9 submissions from 9 submitters: Uncertain significance (7); Likely benign (2). Last evaluated 2026-07-06.

Conditions:
SMARCA4-related disorder. Also called: SMARCA4-related condition.
Hereditary cancer-predisposing syndrome. Also called: Hereditary Cancer Syndrome; Hereditary neoplastic syndrome; Neoplastic Syndromes, Hereditary; Tumor predisposition. Identifiers: Orphanet 140162, MedGen C0027672, MeSH D009386, MONDO:0015356.
Intellectual disability, autosomal dominant 16 (CSS4). Also called: COFFIN-SIRIS SYNDROME 4. Identifiers: Orphanet 1465, MedGen C3553249, MONDO:0013821, OMIM 614609.
Rhabdoid tumor predisposition syndrome 2 (RTPS2). Identifiers: Orphanet 231108, Orphanet 69077, MedGen C2750074, MONDO:0013224, OMIM 613325.

Allele frequency attached by ClinVar (database versions not stated): gnomAD exomes 0.00002; TOPMed 0.00001; gnomAD 0.00001; ExAC 0.00002.

Submissions (9):

Myriad Genetics, Inc.
Classification: Likely benign for Rhabdoid tumor predisposition syndrome 2. Last evaluated: 2026-07-06. Review status: criteria provided, single submitter. Criteria: Myriad Autosomal Dominant, Autosomal Recessive and X-Linked Classification Criteria (2023). Collection method: clinical testing. Allele origin: unknown.
Comment: This variant is considered likely benign. This variant has been observed at a population frequency that is significantly greater than expected given the associated disease prevalence and penetrance.

Labcorp Genetics (formerly Invitae), Labcorp
Classification: Uncertain significance for Rhabdoid tumor predisposition syndrome 2. Last evaluated: 2026-01-31. Review status: criteria provided, single submitter. Criteria: Invitae Variant Classification Sherloc (09022015). Collection method: clinical testing. Allele origin: germline.
Comment: This sequence change replaces serine, which is neutral and polar, with leucine, which is neutral and non-polar, at codon 85 of the SMARCA4 protein (p.Ser85Leu). This variant is present in population databases (rs751542188, gnomAD 0.003%). This variant has not been reported in the literature in individuals affected with SMARCA4-related conditions. ClinVar contains an entry for this variant (Variation ID: 470310). Invitae Evidence Modeling of protein sequence and biophysical properties (such as structural, functional, and spatial information, amino acid conservation, physicochemical variation, residue mobility, and thermodynamic stability) indicates that this missense variant is not expected to disrupt SMARCA4 protein function with a negative predictive value of 95%. In summary, the available evidence is currently insufficient to determine the role of this variant in disease. Therefore, it has been classified as a Variant of Uncertain Significance.

Quest Diagnostics Nichols Institute San Juan Capistrano
Classification: Uncertain significance. Last evaluated: 2025-09-02. Review status: criteria provided, single submitter. Criteria: Quest Diagnostics criteria. Collection method: clinical testing. Allele origin: unknown.
Comment: The SMARCA4 c.254C>T (p.Ser85Leu) variant has not been reported in individuals with SMARCA4-related conditions in the published literature. The frequency of this variant in the general population (Genome Aggregation Database) is uninformative in the assessment of its pathogenicity. Analysis of this variant using bioinformatics tools for the prediction of the effect of amino acid changes on protein structure and function yielded predictions that this variant is benign. Based on the available information, we are unable to determine the clinical significance of this variant.

PreventionGenetics, part of Exact Sciences
Classification: Uncertain significance for SMARCA4-related condition. Last evaluated: 2025-02-24. Review status: criteria provided, single submitter. Criteria: ACMG Guidelines, 2015. Collection method: clinical testing. Allele origin: germline.
Comment: The SMARCA4 c.254C>T variant is predicted to result in the amino acid substitution p.Ser85Leu. To our knowledge, this variant has not been reported in the literature. This variant is reported in 0.0031% of alleles in individuals of European (Non-Finnish) descent in gnomAD. At this time, the clinical significance of this variant is uncertain due to the absence of conclusive functional and genetic evidence.

GeneDx
Classification: Uncertain significance. Last evaluated: 2024-12-09. Review status: criteria provided, single submitter. Criteria: GeneDx Variant Classification Process June 2021. Collection method: clinical testing. Allele origin: germline. Affected: yes.
Comment: In silico analysis indicates that this missense variant does not alter protein structure/function; Has not been previously published as pathogenic or benign to our knowledge; This variant is associated with the following publications: (PMID: 26812616)

Baylor Genetics
Classification: Uncertain significance for Rhabdoid tumor predisposition syndrome 2. Last evaluated: 2024-03-11. Review status: criteria provided, single submitter. Criteria: ACMG Guidelines, 2015. Collection method: clinical testing. Allele origin: unknown.

Ambry Genetics
Classification: Likely benign for Hereditary cancer-predisposing syndrome. Last evaluated: 2022-08-31. Review status: criteria provided, single submitter. Criteria: Ambry Variant Classification Scheme 2023. Collection method: clinical testing. Allele origin: germline.

Genome-Nilou Lab
Classification: Uncertain significance for Intellectual disability, autosomal dominant 16. Last evaluated: 2021-07-15. Review status: criteria provided, single submitter. Criteria: ACMG Guidelines, 2015. Collection method: clinical testing. Allele origin: germline. Affected: no.

ARUP Laboratories, Molecular Genetics and Genomics, ARUP Laboratories
Classification: Uncertain significance. Last evaluated: 2019-03-15. Review status: criteria provided, single submitter. Criteria: ARUP Molecular Germline Variant Investigation Process. Collection method: clinical testing. Allele origin: germline.
Comment: The SMARCA4 c.254C>T; p.Ser85Leu variant (rs751542188), to our knowledge, is not reported in the medical literature but is reported as uncertain in ClinVar (Variation ID: 470310). This variant is found in the general population with a low overall allele frequency of 0.002% (5/282696 alleles) in the Genome Aggregation Database. The serine at codon 85 is moderately conserved, but computational analyses (SIFT, PolyPhen-2) predict that this variant is tolerated. Due to limited information, the clinical significance of this variant is uncertain at this time.

NM_003072.5(SMARCA4):c.254C>T (p.Ser85Leu)

Gene: SMARCA4 (SWI/SNF related BAF chromatin remodeling complex subunit ATPase 4; plus strand). Cytogenetic location: 19p13.2.
Variant type: single nucleotide variant.
Coding change: c.254C>T on transcript NM_003072.5 (MANE Select); coding-DNA position 254, C replaced by T.
Protein change: p.Ser85Leu; replaces serine 85 with leucine.
Molecular consequence: missense variant. On other transcripts: non-coding transcript variant (1).
Genome position (GRCh38, 1-based): chr19:10,985,304, C>T. VCF-style: chr19-10985304-C-T. GRCh37 (hg19) VCF-style: chr19-11095980-C-T.
Other names: c.254C>T, p.Ser85Leu (NM_001128846.2, NM_001128847.4, NM_001128848.2 and 5 more transcripts); short protein forms S85L.
Identifiers: ClinVar variation 470310 (VCV000470310.28), dbSNP rs751542188, ClinGen allele CA9203444.